The following is an entry in ClinVar:

NM_001386795.1(DTNA):c.1743+2409C>T

Gene: DTNA (dystrobrevin alpha; plus strand). Cytogenetic location: 18q12.1.
Variant type: single nucleotide variant.
Coding change: c.1743+2409C>T on transcript NM_001386795.1 (MANE Select); 2409 bases into the intron after coding-DNA position 1743, C replaced by T.
Molecular consequence: intron variant. On other transcripts: 3 prime UTR variant (11).
Genome position (GRCh38, 1-based): chr18:34,866,471, C>T. VCF-style: chr18-34866471-C-T. GRCh37 (hg19) VCF-style: chr18-32446435-C-T.
Other names: c.*310C>T (NM_001198941.2, NM_001198945.2, NM_001386770.1 and 8 more transcripts); c.1491+2409C>T (NM_032975.4, NM_001386761.1); c.1488+2409C>T (NM_001386762.1); c.1572+2409C>T (NM_001386754.1, NM_001386755.1, NM_001386757.1 and 3 more transcripts); c.1569+2409C>T (NM_001386760.1); c.1482+2409C>T (NM_001386763.1, NM_001386764.1, NM_001198940.2 and 5 more transcripts); c.1479+2409C>T (NM_001386768.1, NM_001386769.1); c.1503+340C>T (NM_001198939.2); and 6 more.
Identifiers: ClinVar variation 326675 (VCV000326675.2), dbSNP rs506619, ClinGen allele CA10647522.
Genomic context (GRCh38, chr18:34,866,471, plus strand): 5'-GAGGTATAAGTTTCAAACCAGTCTTAGCTTTTCAAGTTGTTGATCAGACCCTTCTCTTAA[C>T]AGAGAGATACCACAGTCACTAGAGATACCCTGAGGTTCATGTCATCCCAAAACCCACAGC-3'

ClinVar aggregate classification (germline): Benign. Review status: criteria provided, multiple submitters, no conflicts (2 of 4 stars). 2 submissions from 2 submitters: Benign (2). Last evaluated 2018-06-14.

Allele frequency attached by ClinVar (database versions not stated): 1000 Genomes Project 0.15076; 1000 Genomes Project 30x 0.15787; TOPMed 0.17664; gnomAD 0.18355.
gnomAD v4.1: 153,064 of 1,220,362 alleles (13%); highest among the groups gnomAD compares: African/African-American, 34%; 11,487 homozygotes.

Submissions (2):

GeneDx
Classification: Benign. Last evaluated: 2018-06-14. Review status: criteria provided, single submitter. Criteria: GeneDx Variant Classification (06012015). Collection method: clinical testing. Allele origin: germline. Affected: yes.
Comment: This variant is considered likely benign or benign based on one or more of the following criteria: it is a conservative change, it occurs at a poorly conserved position in the protein, it is predicted to be benign by multiple in silico algorithms, and/or has population frequency not consistent with disease.

Breakthrough Genomics
Classification: Benign. Review status: criteria provided, single submitter. Criteria: ACMG Guidelines, 2015. Collection method: not provided. Allele origin: germline. Inheritance: Autosomal dominant inheritance. Affected: yes.